The following is an entry in ClinVar:

NM_014727.3(KMT2B):c.1872C>T (p.Ala624=)

Gene: KMT2B (lysine methyltransferase 2B; plus strand). Cytogenetic location: 19q13.12.
Variant type: single nucleotide variant.
Coding change: c.1872C>T on transcript NM_014727.3 (MANE Select); coding-DNA position 1872, C replaced by T.
Protein change: p.Ala624=; no amino-acid change (alanine 624 retained).
Molecular consequence: synonymous variant.
Genome position (GRCh38, 1-based): chr19:35,721,219, C>T. VCF-style: chr19-35721219-C-T. GRCh37 (hg19) VCF-style: chr19-36212121-C-T.
Identifiers: ClinVar variation 3035736 (VCV003035736.2), dbSNP rs1969187729, ClinGen allele CA507306295.
Genomic context (GRCh38, chr19:35,721,219, plus strand): 5'-AAGGGAACCCACATTTCGCTGGACCTCACTGACCCGGGAGCTGCCCCCTCCTCCCCCAGC[C>T]CCTCCACCTCCCCCGGCCCCCTCCCCACCCCCTGCTCCTGCCACCTCCTCCCGGAGGCCC-3'
Protein context (NP_055542.1, residues 614-634): LTRELPPPPP[Ala624=]PPPPPAPSPP

ClinVar aggregate classification (germline): Likely benign (0 of 4 stars; one submission).

Conditions:
KMT2B-related disorder. Also called: KMT2B-related condition; KMT2B-related disorders. Identifiers: MedGen CN381338.

Allele frequency attached by ClinVar (database versions not stated): TOPMed below 0.00001; gnomAD 0.00001.
gnomAD v4.1: 5 of 1,472,322 alleles (0.00034%); highest among the groups gnomAD compares: East Asian, 0.0025%; no homozygotes.

Submission:

PreventionGenetics, part of Exact Sciences
Classification: Likely benign for KMT2B-related condition. Last evaluated: 2019-07-29. Review status: no assertion criteria provided. Collection method: clinical testing. Allele origin: germline.
Comment: This variant is classified as likely benign based on ACMG/AMP sequence variant interpretation guidelines (Richards et al. 2015 PMID: 25741868, with internal and published modifications).